The following is an entry in ClinVar:

NM_020778.5(ALPK3):c.245C>T (p.Thr82Met)

Gene: ALPK3 (alpha kinase 3; plus strand). Cytogenetic location: 15q25.3.
Variant type: single nucleotide variant.
Coding change: c.245C>T on transcript NM_020778.5 (MANE Select); coding-DNA position 245, C replaced by T.
Protein change: p.Thr82Met; replaces threonine 82 with methionine.
Molecular consequence: missense variant.
Genome position (GRCh38, 1-based): chr15:84,827,546, C>T. VCF-style: chr15-84827546-C-T. GRCh37 (hg19) VCF-style: chr15-85370777-C-T.
Other names: p.Thr284Met; short protein forms T82M.
Identifiers: ClinVar variation 1201829 (VCV001201829.18), dbSNP rs369383271, ClinGen allele CA7708902.

ClinVar aggregate classification (germline): Conflicting classifications of pathogenicity. Review status: criteria provided, conflicting classifications (1 of 4 stars). 6 submissions from 6 submitters: Uncertain significance (3); Benign (1); Likely benign (2). Last evaluated 2026-03-27.

Conditions:
Cardiovascular phenotype. Identifiers: MedGen CN230736.

Allele frequency attached by ClinVar (database versions not stated): TOPMed 0.00003; gnomAD 0.00004 and 0.00007; ESP Exome Variant Server 0.00008; gnomAD exomes 0.00010 and 0.00015; ExAC 0.00016.
gnomAD v4.1: 165 of 1,614,212 alleles (0.01%); highest among the groups gnomAD compares: South Asian, 0.1%; 5 homozygotes.

Submissions (6):

Molecular Diagnostic Laboratory for Inherited Cardiovascular Disease, Montreal Heart Institute
Classification: Likely benign. Last evaluated: 2026-03-27. Review status: criteria provided, single submitter. Criteria: ACMG Guidelines, 2015. Collection method: clinical testing. Allele origin: germline. Affected: no.
Comment: BS1;BP1

Labcorp Genetics (formerly Invitae), Labcorp
Classification: Benign. Last evaluated: 2025-12-21. Review status: criteria provided, single submitter. Criteria: Invitae Variant Classification Sherloc (09022015). Collection method: clinical testing. Allele origin: germline.

Blueprint Genetics
Classification: Likely benign. Last evaluated: 2024-10-07. Review status: criteria provided, single submitter. Criteria: ACMG Guidelines, 2015. Collection method: clinical testing. Allele origin: germline.

Mayo Clinic Laboratories, Mayo Clinic
Classification: Uncertain significance. Last evaluated: 2024-06-18. Review status: criteria provided, single submitter. Criteria: ACMG Guidelines, 2015. Collection method: clinical testing. Allele origin: germline. Observed: 1 variant allele.
Comment: BS2

Ambry Genetics
Classification: Uncertain significance for Cardiovascular phenotype. Last evaluated: 2024-04-15. Review status: criteria provided, single submitter. Criteria: Ambry Variant Classification Scheme 2023. Collection method: clinical testing. Allele origin: germline.
Comment: The p.T284M variant (also known as c.851C>T), located in coding exon 3 of the ALPK3 gene, results from a C to T substitution at nucleotide position 851. The threonine at codon 284 is replaced by methionine, an amino acid with similar properties. This amino acid position is highly conserved in available vertebrate species. In addition, the in silico prediction for this alteration is inconclusive. Since supporting evidence is limited at this time, the clinical significance of this alteration remains unclear.

GeneDx
Classification: Uncertain significance. Last evaluated: 2024-02-27. Review status: criteria provided, single submitter. Criteria: GeneDx Variant Classification Process June 2021. Collection method: clinical testing. Allele origin: germline. Affected: yes.
Comment: Has not been previously published as pathogenic or benign to our knowledge; In silico analysis supports that this missense variant has a deleterious effect on protein structure/function